The following is an entry in ClinVar:

NM_001103.4(ACTN2):c.2382T>A (p.Phe794Leu)

Gene: ACTN2 (actinin alpha 2; plus strand). Cytogenetic location: 1q43.
Variant type: single nucleotide variant.
Coding change: c.2382T>A on transcript NM_001103.4 (MANE Select); coding-DNA position 2382, T replaced by A.
Protein change: p.Phe794Leu; replaces phenylalanine 794 with leucine.
Molecular consequence: missense variant. On other transcripts: non-coding transcript variant (1).
Genome position (GRCh38, 1-based): chr1:236,761,029, T>A. VCF-style: chr1-236761029-T-A. GRCh37 (hg19) VCF-style: chr1-236924329-T-A.
Other names: c.2382T>A, p.Phe794Leu (NM_001278343.2); short protein forms F794L.
Identifiers: ClinVar variation 3484379 (VCV003484379.1).

ClinVar aggregate classification (germline): Uncertain significance (1 of 4 stars; one submission).

Conditions:
Cardiovascular phenotype. Identifiers: MedGen CN230736.

Submission:

Ambry Genetics
Classification: Uncertain significance for Cardiovascular phenotype. Last evaluated: 2024-12-09. Review status: criteria provided, single submitter. Criteria: Ambry Variant Classification Scheme 2023. Collection method: clinical testing. Allele origin: germline.
Comment: The p.F794L variant (also known as c.2382T>A), located in coding exon 20 of the ACTN2 gene, results from a T to A substitution at nucleotide position 2382. The phenylalanine at codon 794 is replaced by leucine, an amino acid with highly similar properties. This amino acid position is conserved. In addition, the in silico prediction for this alteration is inconclusive. Based on the available evidence, the clinical significance of this variant remains unclear.